The following is an entry in ClinVar:

ClinVar aggregate classification (germline): Uncertain significance (1 of 4 stars; one submission).

Submission:

GeneDx
Classification: Uncertain significance. Last evaluated: 2023-01-10. Review status: criteria provided, single submitter. Criteria: GeneDx Variant Classification Process June 2021. Collection method: clinical testing. Allele origin: germline. Affected: yes.
Comment: Not observed at significant frequency in large population cohorts (gnomAD); Missense variants in this gene are often considered pathogenic (HGMD); In silico analysis supports that this missense variant has a deleterious effect on protein structure/function; Has not been previously published as pathogenic or benign to our knowledge; This variant is associated with the following publications: (PMID: 16227997)

NM_001005361.3(DNM2):c.1020T>G (p.Phe340Leu)

Gene: DNM2 (dynamin 2; plus strand). Cytogenetic location: 19p13.2.
Variant type: single nucleotide variant.
Coding change: c.1020T>G on transcript NM_001005361.3 (MANE Select); coding-DNA position 1020, T replaced by G.
Protein change: p.Phe340Leu; replaces phenylalanine 340 with leucine.
Molecular consequence: missense variant.
Genome position (GRCh38, 1-based): chr19:10,793,747, T>G. VCF-style: chr19-10793747-T-G. GRCh37 (hg19) VCF-style: chr19-10904423-T-G.
Other names: c.1020T>G, p.Phe340Leu (NM_001005360.3, NM_001005362.3, NM_001190716.2 and 1 more transcripts); short protein forms F340L.
Identifiers: ClinVar variation 2571957 (VCV002571957.1), dbSNP rs2513224265, ClinGen allele CA404047864.